The following is an entry in ClinVar:

NM_001099274.3(TINF2):c.167G>A (p.Arg56His)

Genes: TINF2 (TERF1 interacting nuclear factor 2; minus strand), LOC130055403 (ATAC-STARR-seq lymphoblastoid active region 8199; plus strand). Cytogenetic location: 14q12.
Variant type: single nucleotide variant.
Coding change: c.167G>A on transcript NM_001099274.3 (MANE Select); coding-DNA position 167, G replaced by A.
Protein change: p.Arg56His; replaces arginine 56 with histidine.
Molecular consequence: missense variant.
Genome position (GRCh38, 1-based): chr14:24,242,166, C>T on the plus strand (G>A on the coding strand, the complement: TINF2 is on the minus strand). VCF-style: chr14-24242166-C-T. GRCh37 (hg19) VCF-style: chr14-24711372-C-T.
Other names: c.167G>A, p.Arg56His (NM_001363668.2, NM_012461.3); short protein forms R56H.
Identifiers: ClinVar variation 933741 (VCV000933741.11), dbSNP rs777925529, ClinGen allele CA7130746.

ClinVar aggregate classification (germline): Uncertain significance. Review status: criteria provided, multiple submitters, no conflicts (2 of 4 stars). 3 submissions from 3 submitters: Uncertain significance (3). Last evaluated 2022-12-18.

Conditions:
TINF2-related disorder. Also called: TINF2-related condition.
Dyskeratosis congenita. Identifiers: Orphanet 1775, MedGen C0265965, MONDO:0015780.

Allele frequency attached by ClinVar (database versions not stated): gnomAD exomes below 0.00001 and 0.00001; ExAC 0.00001.

Submissions (3):

GeneDx
Classification: Uncertain significance. Last evaluated: 2022-12-18. Review status: criteria provided, single submitter. Criteria: GeneDx Variant Classification Process June 2021. Collection method: clinical testing. Allele origin: germline. Affected: yes.
Comment: In silico analysis supports that this missense variant has a deleterious effect on protein structure/function; Has not been previously published as pathogenic or benign to our knowledge

PreventionGenetics, part of Exact Sciences
Classification: Uncertain significance for TINF2-related condition. Last evaluated: 2022-11-26. Review status: criteria provided, single submitter. Criteria: ACMG Guidelines, 2015. Collection method: clinical testing. Allele origin: germline.
Comment: The TINF2 c.167G>A variant is predicted to result in the amino acid substitution p.Arg56His. To our knowledge, this variant has not been reported in the literature. This variant is reported in 0.011% of alleles in individuals of East Asian descent in gnomAD. At this time, the clinical significance of this variant is uncertain due to the absence of conclusive functional and genetic evidence.

Labcorp Genetics (formerly Invitae), Labcorp
Classification: Uncertain significance for Dyskeratosis congenita. Last evaluated: 2022-07-26. Review status: criteria provided, single submitter. Criteria: Invitae Variant Classification Sherloc (09022015). Collection method: clinical testing. Allele origin: germline.
Comment: This sequence change replaces arginine, which is basic and polar, with histidine, which is basic and polar, at codon 56 of the TINF2 protein (p.Arg56His). This variant is present in population databases (rs777925529, gnomAD 0.01%). This variant has not been reported in the literature in individuals affected with TINF2-related conditions. ClinVar contains an entry for this variant (Variation ID: 933741). Algorithms developed to predict the effect of missense changes on protein structure and function are either unavailable or do not agree on the potential impact of this missense change (SIFT: "Deleterious"; PolyPhen-2: "Possibly Damaging"; Align-GVGD: "Class C0"). In summary, the available evidence is currently insufficient to determine the role of this variant in disease. Therefore, it has been classified as a Variant of Uncertain Significance.